The following is an entry in ClinVar:

ClinVar aggregate classification (germline): Conflicting classifications of pathogenicity. Review status: criteria provided, conflicting classifications (1 of 4 stars). 3 submissions from 3 submitters: Uncertain significance (2); Likely benign (1). Last evaluated 2019-12-10.

Conditions:
Hereditary cancer-predisposing syndrome. Also called: Hereditary neoplastic syndrome; Hereditary Cancer Syndrome; Tumor predisposition; Neoplastic Syndromes, Hereditary. Identifiers: Orphanet 140162, MedGen C0027672, MeSH D009386, MONDO:0015356.

Allele frequency attached by ClinVar (database versions not stated): gnomAD exomes below 0.00001; TOPMed below 0.00001; gnomAD 0.00001.
gnomAD v4.1: 3 of 1,596,674 alleles (0.00019%); highest among the groups gnomAD compares: Non-Finnish European, 0.00026%; no homozygotes.

Submissions (3):

Color Diagnostics, LLC DBA Color Health
Classification: Uncertain significance for Hereditary cancer-predisposing syndrome. Last evaluated: 2019-12-10. Review status: criteria provided, single submitter. Criteria: ACMG Guidelines, 2015. Collection method: clinical testing. Allele origin: germline.
Comment: This variant is located in the 5' untranslated region of the BRIP1 gene. To our knowledge, functional studies have not been performed for this variant. This variant has not been reported in individuals affected with hereditary cancer in the literature. This variant has been identified in 1/251078 chromosomes in the general population by the Genome Aggregation Database (gnomAD). The available evidence is insufficient to determine the role of this variant in disease conclusively. Therefore, this variant is classified as a Variant of Uncertain Significance.

GeneDx
Classification: Likely benign. Last evaluated: 2018-01-03. Review status: criteria provided, single submitter. Criteria: GeneDx Variant Classification (06012015). Collection method: clinical testing. Allele origin: germline. Affected: yes.
Comment: This variant is considered likely benign or benign based on one or more of the following criteria: it is a conservative change, it occurs at a poorly conserved position in the protein, it is predicted to be benign by multiple in silico algorithms, and/or has population frequency not consistent with disease.

Quest Diagnostics Nichols Institute San Juan Capistrano
Classification: Uncertain significance. Last evaluated: 2017-03-22. Review status: criteria provided, single submitter. Criteria: Quest Diagnostics criteria. Collection method: clinical testing. Allele origin: germline.

NM_032043.3(BRIP1):c.-6A>C

Gene: BRIP1 (BRCA1 interacting DNA helicase 1; minus strand). Cytogenetic location: 17q23.2.
Variant type: single nucleotide variant.
Coding change: c.-6A>C on transcript NM_032043.3 (MANE Select); 6 bases upstream of the start codon, A replaced by C.
Molecular consequence: 5 prime UTR variant.
Genome position (GRCh38, 1-based): chr17:61,861,545, T>G on the plus strand (A>C on the coding strand, the complement: BRIP1 is on the minus strand). VCF-style: chr17-61861545-T-G. GRCh37 (hg19) VCF-style: chr17-59938906-T-G.
Identifiers: ClinVar variation 439031 (VCV000439031.7), dbSNP rs1442433909, ClinGen allele CA626822120.
Genomic context (GRCh38, chr17:61,861,545, plus strand): 5'-AAGGAAAGTAAATCTTCACCCCACCAATTGTATATTCAGACCACATTGAAGACATAGTGC[T>G]TTCCTGTTTATTTCAGATTCCTAACTACAACAGAAATGAAAATGTCAAATATTGAGACAC-3'